The following is an entry in ClinVar:

NM_033380.3(COL4A5):c.1948+4A>C

Gene: COL4A5 (collagen type IV alpha 5 chain; plus strand). Cytogenetic location: Xq22.3.
Variant type: single nucleotide variant.
Coding change: c.1948+4A>C on transcript NM_033380.3 (MANE Select); 4 bases into the intron after coding-DNA position 1948, A replaced by C.
Molecular consequence: intron variant.
Genome position (GRCh38, 1-based): chrX:108,598,874, A>C. VCF-style: chrX-108598874-A-C. GRCh37 (hg19) VCF-style: chrX-107842104-A-C.
Other names: c.1948+4A>C (NM_000495.5).
Identifiers: ClinVar variation 862825 (VCV000862825.9), dbSNP rs1311897513, ClinGen allele CA645608370.

ClinVar aggregate classification (germline): Uncertain significance. Review status: criteria provided, single submitter (1 of 4 stars). 2 submissions from 2 submitters: Uncertain significance (1). 1 of the submissions does not count toward it. Last evaluated 2020-02-02.

Conditions:
X-linked Alport syndrome (ATS1). Also called: COL4A5-Related Nephropathy; NEPHROPATHY AND DEAFNESS, X-LINKED. Identifiers: Orphanet 63, Orphanet 88917, MedGen C4746986, MONDO:0010520, OMIM 301050.

Allele frequency attached by ClinVar (database versions not stated): gnomAD exomes below 0.00001; gnomAD 0.00001; TOPMed 0.00001; 1000 Genomes Project 30x 0.00021.
gnomAD v4.1: 2 of 1,208,705 alleles (0.00017%); highest among the groups gnomAD compares: South Asian, 0.0018%; no homozygotes.

Submissions (2):

Labcorp Genetics (formerly Invitae), Labcorp
Classification: Uncertain significance. Last evaluated: 2020-02-02. Review status: criteria provided, single submitter. Criteria: Invitae Variant Classification Sherloc (09022015). Collection method: clinical testing. Allele origin: germline.
Comment: In summary, the available evidence is currently insufficient to determine the role of this variant in disease. Therefore, it has been classified as a Variant of Uncertain Significance. Nucleotide substitutions within the consensus splice site are a relatively common cause of aberrant splicing (PMID: 17576681, 9536098). Algorithms developed to predict the effect of sequence changes on RNA splicing suggest that this variant is not likely to affect RNA splicing, but this prediction has not been confirmed by published transcriptional studies. This variant has not been reported in the literature in individuals with COL4A5-related conditions. This variant is not present in population databases (ExAC no frequency). This sequence change falls in intron 25 of the COL4A5 gene. It does not directly change the encoded amino acid sequence of the COL4A5 protein, but it affects a nucleotide within the consensus splice site of the intron.

Natera, Inc.
Classification: Uncertain significance for X-linked Alport syndrome. Last evaluated: 2020-03-10. Review status: no assertion criteria provided. Collection method: clinical testing. Allele origin: germline. Not counted in ClinVar's aggregate classification.

Literature cited by the submitters: PubMed 17576681 (cited by Labcorp Genetics (formerly Invitae), Labcorp); PubMed 9536098 (cited by Labcorp Genetics (formerly Invitae), Labcorp).